The following is an entry in ClinVar:

ClinVar aggregate classification (germline): Uncertain significance (1 of 4 stars; one submission).

Conditions:
Ataxia-telangiectasia syndrome (AT). Also called: ATAXIA-TELANGIECTASIA, COMPLEMENTATION GROUP A; ATAXIA-TELANGIECTASIA, FRESNO VARIANT; Ataxia-telangiectasia; Ataxia-telangiectasia, complementation group E; Ataxia telangiectasia (A-T); LOUIS-BAR SYNDROME. Identifiers: Orphanet 100, MedGen C0004135, MONDO:0008840, OMIM 208900.

Submission:

Labcorp Genetics (formerly Invitae), Labcorp
Classification: Uncertain significance for Ataxia-telangiectasia syndrome. Last evaluated: 2024-10-02. Review status: criteria provided, single submitter. Criteria: Invitae Variant Classification Sherloc (09022015). Collection method: clinical testing. Allele origin: germline.
Comment: This sequence change replaces glutamine, which is neutral and polar, with proline, which is neutral and non-polar, at codon 418 of the ATM protein (p.Gln418Pro). This variant is not present in population databases (gnomAD no frequency). This variant has not been reported in the literature in individuals affected with ATM-related conditions. An algorithm developed to predict the effect of missense changes on protein structure and function (PolyPhen-2) suggests that this variant is likely to be tolerated. In summary, the available evidence is currently insufficient to determine the role of this variant in disease. Therefore, it has been classified as a Variant of Uncertain Significance.

NM_000051.4(ATM):c.1253A>C (p.Gln418Pro)

Gene: ATM (ATM serine/threonine kinase; plus strand). Cytogenetic location: 11q22.3.
Variant type: single nucleotide variant.
Coding change: c.1253A>C on transcript NM_000051.4 (MANE Select); coding-DNA position 1253, A replaced by C.
Protein change: p.Gln418Pro; replaces glutamine 418 with proline.
Molecular consequence: missense variant.
Genome position (GRCh38, 1-based): chr11:108,250,718, A>C. VCF-style: chr11-108250718-A-C. GRCh37 (hg19) VCF-style: chr11-108121445-A-C.
Other names: c.1253A>C, p.Gln418Pro (NM_001351834.2); short protein forms Q418P.
Identifiers: ClinVar variation 3720435 (VCV003720435.2).
Genomic context (GRCh38, chr11:108,250,718, plus strand): 5'-GTGATGGAATAGTTTTCAAATTATCCTTTTTTTTTTTTTTTAGGCTACAGATTGCAACCC[A>C]ATTAATATCAAAGTATCCTGCAAGTTTACCTAACTGTGAGCTGTCTCCATTACTGATGAT-3'
Protein context (NP_000042.3, residues 408-428): DLVPWLQIAT[Gln418Pro]LISKYPASLP